The following is an entry in ClinVar:

NM_018006.5(TRMU):c.880del (p.Arg294fs)

Gene: TRMU (tRNA mitochondrial 2-thiouridylase; plus strand). Cytogenetic location: 22q13.31.
Variant type: Deletion.
Coding change: c.880del on transcript NM_018006.5 (MANE Select); coding-DNA position 880, one base deleted (C; older notation c.880delC).
Protein change: p.Arg294fs; shifts the reading frame from arginine 294.
Molecular consequence: frameshift variant. On other transcripts: non-coding transcript variant (2).
Genome position (GRCh38, 1-based): chr22:46,355,450, C deleted; the last of 6 consecutive C bases (chr22:46,355,445-46,355,450); deleting any one gives the same sequence. VCF-style (leftmost placement, unchanged base first): chr22-46355444-GC-G. GRCh37 (hg19) VCF-style: chr22-46751341-GC-G.
Other names: c.538del, p.Arg180fs (NM_001282782.2); c.460del, p.Arg154fs (NM_001282783.2, NM_001282784.2); c.880del, p.Arg294fs (NM_001282785.2); short protein forms R154fs, R180fs, R294fs.
Identifiers: ClinVar variation 558684 (VCV000558684.7), dbSNP rs1490906786, ClinGen allele CA514925799.

ClinVar aggregate classification (germline): Pathogenic/Likely pathogenic. Review status: criteria provided, multiple submitters, no conflicts (2 of 4 stars). 4 submissions from 4 submitters: Pathogenic (1); Likely pathogenic (2). 1 of the submissions does not count toward it. Last evaluated 2025-06-16.

Conditions:
Aminoglycoside-induced deafness. Also called: MT-RNR1-Related Hearing Loss and Deafness; DEAFNESS, STREPTOMYCIN-INDUCED; STREPTOMYCIN OTOTOXICITY. Identifiers: Orphanet 168609, MedGen C1838854, MONDO:0010799, OMIM 580000.
Acute infantile liver failure due to synthesis defect of mtDNA-encoded proteins. Also called: TRMU Deficiency; LIVER FAILURE, INFANTILE, TRANSIENT; Liver failure acute infantile. Identifiers: Orphanet 217371, MedGen C3278664, MONDO:0013111, OMIM 613070.

Submissions (4):

Natera, Inc.
Classification: Likely pathogenic for Acute infantile liver failure due to synthesis defect of mtDNA-encoded proteins. Last evaluated: 2025-06-16. Review status: criteria provided, single submitter. Criteria: Natera Variant Classification Schema (03/2026). Collection method: clinical testing. Allele origin: germline.
Comment: The c.880delC variant in TRMU is a frameshift variant predicted to shift the reading frame beginning at codon 294 and leads to a stop codon 12 codons downstream. This variant is expected to result in nonsense mediated decay, truncation, or a dysfunctional protein product. This variant is rare in the general population with a frequency below the threshold expected for the associated phenotype(s). Given the available evidence, this variant is classified as Likely Pathogenic.

Labcorp Genetics (formerly Invitae), Labcorp
Classification: Pathogenic. Last evaluated: 2025-05-14. Review status: criteria provided, single submitter. Criteria: Invitae Variant Classification Sherloc (09022015). Collection method: clinical testing. Allele origin: germline.
Comment: This sequence change creates a premature translational stop signal (p.Arg294Glyfs*12) in the TRMU gene. It is expected to result in an absent or disrupted protein product. Loss-of-function variants in TRMU are known to be pathogenic (PMID: 19732863, 23625533). This variant is not present in population databases (gnomAD no frequency). This variant has not been reported in the literature in individuals affected with TRMU-related conditions. ClinVar contains an entry for this variant (Variation ID: 558684). For these reasons, this variant has been classified as Pathogenic.

Baylor Genetics
Classification: Likely pathogenic for Aminoglycoside-induced deafness. Last evaluated: 2023-05-06. Review status: criteria provided, single submitter. Criteria: ACMG Guidelines, 2015. Collection method: clinical testing. Allele origin: unknown.

Counsyl
Classification: Likely pathogenic for Acute infantile liver failure due to synthesis defect of mtDNA-encoded proteins. Last evaluated: 2018-06-04. Review status: no assertion criteria provided. Collection method: clinical testing. Allele origin: unknown. Not counted in ClinVar's aggregate classification.

Literature cited by the submitters: PubMed 19732863 (cited by Labcorp Genetics (formerly Invitae), Labcorp); PubMed 23625533 (cited by Labcorp Genetics (formerly Invitae), Labcorp).